The following is an entry in ClinVar:

ClinVar aggregate classification (germline): Pathogenic (1 of 4 stars; one submission).

Conditions:
Ornithine aminotransferase deficiency (GACR). Also called: Ornithine ketoacid aminotransferase deficiency; Gyrate atrophy; HYPERORNITHINEMIA WITH GYRATE ATROPHY OF CHOROID AND RETINA; OAT DEFICIENCY; OKT DEFICIENCY; Gyrate atrophy of choroid and retina. Identifiers: Orphanet 414, MedGen C0018425, MONDO:0009796, OMIM 258870.

Submission:

Myriad Genetics, Inc.
Classification: Pathogenic for Ornithine aminotransferase deficiency. Last evaluated: 2026-05-21. Review status: criteria provided, single submitter. Criteria: Myriad Autosomal Dominant, Autosomal Recessive and X-Linked Classification Criteria (2023). Collection method: clinical testing. Allele origin: unknown.
Comment: NM_000274.3(OAT):c.773_776delTTCT(V258Afs*29) is expected to be pathogenic in the context of ornithine aminotransferase deficiency. This variant is predicted to lead to an abnormal or absent protein product due to the creation of a premature termination codon in OAT, a gene where loss-of-function variants are known to be pathogenic. Please note: this variant was assessed in the context of healthy population screening.

NM_000274.4(OAT):c.773_776del (p.Val258fs)

Gene: OAT (ornithine aminotransferase; minus strand). Cytogenetic location: 10q26.13.
Variant type: Deletion.
Coding change: c.773_776del on transcript NM_000274.4 (MANE Select); coding-DNA positions 773 to 776, 4 bases deleted (TTCT; older notation c.773_776delTTCT).
Protein change: p.Val258fs; shifts the reading frame from valine 258.
Molecular consequence: frameshift variant.
Genome position (GRCh38, 1-based): chr10:124,403,051-124,403,054, AGAA deleted on the plus strand (TTCT on the coding strand, the reverse complement: OAT is on the minus strand). VCF-style (leftmost placement, unchanged base first): chr10-124403050-GAGAA-G. GRCh37 (hg19) VCF-style: chr10-126091619-GAGAA-G.
Other names: c.359_362del, p.Val120fs (NM_001171814.2); c.773_776del, p.Val258fs (NM_001322965.2, NM_001322966.2, NM_001322967.2 and 3 more transcripts); c.452_455del, p.Val151fs (NM_001322971.2); c.173_176del, p.Val58fs (NM_001322974.2); short protein forms V120fs, V151fs, V258fs, V58fs.
Identifiers: ClinVar variation 5015940 (VCV005015940.1).